The following is an entry in ClinVar:

ClinVar aggregate classification (germline): Uncertain significance (1 of 4 stars; one submission).

Conditions:
Diamond-Blackfan anemia. Also called: Blackfan Diamond syndrome; Aregenerative anemia chronic congenital; Red cell aplasia, pure hereditary; Congenital hypoplastic anemia; Aase syndrome. Identifiers: Orphanet 124, MedGen C1260899, MeSH D029503, MONDO:0015253, HP:0004810.

Submission:

Ambry Genetics
Classification: Uncertain significance for Diamond-Blackfan anemia. Last evaluated: 2017-07-01. Review status: criteria provided, single submitter. Criteria: Ambry Variant Classification Scheme 2023. Collection method: clinical testing. Allele origin: germline.
Comment: The p.V84D variant (also known as c.251T>A), located in coding exon 3 of the RPL35A gene, results from a T to A substitution at nucleotide position 251. The valine at codon 84 is replaced by aspartic acid, an amino acid with highly dissimilar properties. This amino acid position is highly conserved in available vertebrate species. In addition, this alteration is predicted to be deleterious by in silico analysis. Since supporting evidence is limited at this time, the clinical significance of this alteration remains unclear.

NM_000996.4(RPL35A):c.251T>A (p.Val84Asp)

Genes: RPL35A (ribosomal protein L35a; plus strand), DRC9 (dynein regulatory complex subunit 9; minus strand). Cytogenetic location: 3q29.
Variant type: single nucleotide variant.
Coding change: c.251T>A on transcript NM_000996.4 (MANE Select); coding-DNA position 251, T replaced by A.
Protein change: p.Val84Asp; replaces valine 84 with aspartic acid.
Molecular consequence: missense variant. On other transcripts: intron variant (3).
Genome position (GRCh38, 1-based): chr3:197,954,089, T>A. VCF-style: chr3-197954089-T-A. GRCh37 (hg19) VCF-style: chr3-197680960-T-A.
Other names: c.251T>A, p.Val84Asp (NM_001316311.2); c.-50+5440A>T (NM_001323028.2); c.-60+5440A>T (NM_032263.5); c.-375+5440A>T (NM_001323029.2); short protein forms V84D.
Identifiers: ClinVar variation 1792520 (VCV001792520.2), dbSNP rs2530431509, ClinGen allele CA355884781.